The following is an entry in ClinVar:

ClinVar aggregate classification (germline): Pathogenic. Review status: criteria provided, multiple submitters, no conflicts (2 of 4 stars). 3 submissions from 3 submitters: Pathogenic (3). Last evaluated 2022-01-13.

Conditions:
Familial X-linked hypophosphatemic vitamin D refractory rickets (XLHRD). Also called: X-Linked Hypophosphatemia; Hypophosphatemic Rickets, X-Linked Dominant; HYPOPHOSPHATEMIC VITAMIN D-RESISTANT RICKETS; Hypophosphatemia, vitamin D-resistant rickets; Vitamin D-resistant rickets, X-linked. Identifiers: Orphanet 89936, MedGen C0733682, MONDO:0010619, OMIM 307800.

Submissions (3):

Kasturba Medical College, Manipal, Kasturba Medical College, Manipal, Manipal Academy of Higher Education, Manipal, India
Classification: Pathogenic for Familial X-linked hypophosphatemic vitamin D refractory rickets. Last evaluated: 2022-01-13. Review status: criteria provided, single submitter. Criteria: ACMG Guidelines, 2015. Collection method: clinical testing. Allele origin: germline. Inheritance: X-linked dominant inheritance. Affected: yes. Observed: 1 heterozygote.

Labcorp Genetics (formerly Invitae), Labcorp
Classification: Pathogenic. Last evaluated: 2020-02-29. Review status: criteria provided, single submitter. Criteria: Invitae Variant Classification Sherloc (09022015). Collection method: clinical testing. Allele origin: germline.
Comment: For these reasons, this variant has been classified as Pathogenic. Nucleotide substitutions within the consensus splice site are a relatively common cause of aberrant splicing (PMID: 17576681, 9536098). Experimental studies have shown that this variant disrupts mRNA splicing (PMID: 31102713). This variant has been observed in individuals affected with hypophosphatemic rickets (PMID: 10737991, 29460029, Invitae). ClinVar contains an entry for this variant (Variation ID: 438500). This variant is not present in population databases (ExAC no frequency). This sequence change falls in intron 13 of the PHEX gene. It does not directly change the encoded amino acid sequence of the PHEX protein, but it affects a nucleotide within the consensus splice site of the intron.

Institute of Human Genetics Munich, TUM University Hospital
Classification: Pathogenic for Familial X-linked hypophosphatemic vitamin D refractory rickets. Last evaluated: 2013-10-31. Review status: criteria provided, single submitter. Criteria: Classification criteria August 2017. Collection method: clinical testing. Allele origin: germline. Inheritance: X-linked inheritance. Affected: yes. Observed: 1 heterozygote.

Literature cited by the submitters: PubMed 10737991 (cited by Kasturba Medical College, Manipal, Kasturba Medical College, Manipal, Manipal Academy of Higher Education, Manipal, India and Labcorp Genetics (formerly Invitae), Labcorp); PubMed 17576681 (cited by Labcorp Genetics (formerly Invitae), Labcorp); PubMed 9536098 (cited by Labcorp Genetics (formerly Invitae), Labcorp); PubMed 31102713 (cited by Labcorp Genetics (formerly Invitae), Labcorp); PubMed 29460029 (cited by Labcorp Genetics (formerly Invitae), Labcorp).

NM_000444.6(PHEX):c.1482+5G>C

Genes: PHEX (phosphate regulating endopeptidase X-linked; plus strand), PHEX-AS1 (PHEX antisense RNA 1; minus strand). Cytogenetic location: Xp22.11.
Variant type: single nucleotide variant.
Coding change: c.1482+5G>C on transcript NM_000444.6 (MANE Select); 5 bases into the intron after coding-DNA position 1482, G replaced by C.
Molecular consequence: intron variant.
Genome position (GRCh38, 1-based): chrX:22,168,394, G>C. VCF-style: chrX-22168394-G-C. GRCh37 (hg19) VCF-style: chrX-22186511-G-C.
Other names: c.1482+5G>C (NM_001282754.2).
Identifiers: ClinVar variation 438500 (VCV000438500.12), dbSNP rs1269067103, ClinGen allele CA645509383.